The following is an entry in ClinVar:

ClinVar aggregate classification (germline): Uncertain significance (1 of 4 stars; one submission).

Conditions:
Peroxisome biogenesis disorder 7A (Zellweger). Also called: Peroxisome biogenesis disorder 7A. Identifiers: Orphanet 912, MedGen C3888385, MONDO:0013938, OMIM 614872.
Peroxisome biogenesis disorder 7B (PBD7B). Identifiers: Orphanet 44, MedGen C3553951, MONDO:0013939, OMIM 614873.

Allele frequency attached by ClinVar (database versions not stated): gnomAD exomes below 0.00001.

Submission:

Labcorp Genetics (formerly Invitae), Labcorp
Classification: Uncertain significance for Peroxisome biogenesis disorder 7A (Zellweger); Peroxisome biogenesis disorder 7B. Last evaluated: 2022-02-08. Review status: criteria provided, single submitter. Criteria: Invitae Variant Classification Sherloc (09022015). Collection method: clinical testing. Allele origin: germline.
Comment: This sequence change replaces glycine, which is neutral and non-polar, with glutamic acid, which is acidic and polar, at codon 16 of the PEX26 protein (p.Gly16Glu). This variant is not present in population databases (gnomAD no frequency). This variant has not been reported in the literature in individuals affected with PEX26-related conditions. Algorithms developed to predict the effect of missense changes on protein structure and function are either unavailable or do not agree on the potential impact of this missense change (SIFT: "Tolerated"; PolyPhen-2: "Possibly Damaging"; Align-GVGD: "Class C0"). In summary, the available evidence is currently insufficient to determine the role of this variant in disease. Therefore, it has been classified as a Variant of Uncertain Significance.

NM_001127649.3(PEX26):c.47G>A (p.Gly16Glu)

Gene: PEX26 (peroxisomal biogenesis factor 26; plus strand). Cytogenetic location: 22q11.21.
Variant type: single nucleotide variant.
Coding change: c.47G>A on transcript NM_001127649.3 (MANE Select); coding-DNA position 47, G replaced by A.
Protein change: p.Gly16Glu; replaces glycine 16 with glutamic acid.
Molecular consequence: missense variant.
Genome position (GRCh38, 1-based): chr22:18,078,423, G>A. VCF-style: chr22-18078423-G-A. GRCh37 (hg19) VCF-style: chr22-18561189-G-A.
Other names: c.47G>A, p.Gly16Glu (NM_001199319.2, NM_017929.6); short protein forms G16E.
Identifiers: ClinVar variation 1496335 (VCV001496335.8), dbSNP rs1321820881, ClinGen allele CA410264179.